The following is an entry in ClinVar:

ClinVar aggregate classification (germline): Uncertain significance (1 of 4 stars; one submission).

Conditions:
Hypertrophic cardiomyopathy. Also called: HYPERTROPHIC MYOCARDIOPATHY. Identifiers: Orphanet 217569, MedGen C0007194, MeSH D002312, MONDO:0005045, HP:0001639.

gnomAD v4.1: 4 of 1,613,926 alleles (0.00025%); highest among the groups gnomAD compares: East Asian, 0.0022%; no homozygotes.

Submission:

Labcorp Genetics (formerly Invitae), Labcorp
Classification: Uncertain significance for Hypertrophic cardiomyopathy. Last evaluated: 2024-07-11. Review status: criteria provided, single submitter. Criteria: Invitae Variant Classification Sherloc (09022015). Collection method: clinical testing. Allele origin: germline.
Comment: This sequence change replaces alanine, which is neutral and non-polar, with valine, which is neutral and non-polar, at codon 778 of the MYOM1 protein (p.Ala778Val). This variant is present in population databases (rs758209155, gnomAD 0.003%). This variant has not been reported in the literature in individuals affected with MYOM1-related conditions. Advanced modeling of protein sequence and biophysical properties (such as structural, functional, and spatial information, amino acid conservation, physicochemical variation, residue mobility, and thermodynamic stability) performed at Invitae indicates that this missense variant is not expected to disrupt MYOM1 protein function with a negative predictive value of 80%. In summary, the available evidence is currently insufficient to determine the role of this variant in disease. Therefore, it has been classified as a Variant of Uncertain Significance.

NM_003803.4(MYOM1):c.2333C>T (p.Ala778Val)

Gene: MYOM1 (myomesin 1; minus strand). Cytogenetic location: 18p11.31.
Variant type: single nucleotide variant.
Coding change: c.2333C>T on transcript NM_003803.4 (MANE Select); coding-DNA position 2333, C replaced by T.
Protein change: p.Ala778Val; replaces alanine 778 with valine.
Molecular consequence: missense variant.
Genome position (GRCh38, 1-based): chr18:3,134,701, G>A on the plus strand (C>T on the coding strand, the complement: MYOM1 is on the minus strand). VCF-style: chr18-3134701-G-A. GRCh37 (hg19) VCF-style: chr18-3134699-G-A.
Other names: c.2333C>T, p.Ala778Val (NM_019856.2); short protein forms A778V.
Identifiers: ClinVar variation 3659201 (VCV003659201.2).